The following is an entry in ClinVar:

NM_014363.6(SACS):c.10792C>T (p.Gln3598Ter)

Gene: SACS (sacsin molecular chaperone; minus strand). Cytogenetic location: 13q12.12.
Variant type: single nucleotide variant.
Coding change: c.10792C>T on transcript NM_014363.6 (MANE Select); coding-DNA position 10792, C replaced by T.
Protein change: p.Gln3598Ter; replaces glutamine 3598 with a stop codon.
Molecular consequence: nonsense.
Genome position (GRCh38, 1-based): chr13:23,333,084, G>A on the plus strand (C>T on the coding strand, the complement: SACS is on the minus strand). VCF-style: chr13-23333084-G-A. GRCh37 (hg19) VCF-style: chr13-23907223-G-A.
Other names: c.10351C>T, p.Gln3451Ter (NM_001278055.2); short protein forms Q3451*, Q3598*.
Identifiers: ClinVar variation 3571995 (VCV003571995.1).

ClinVar aggregate classification (germline): Likely pathogenic (1 of 4 stars; one submission).

Submission:

Athena Diagnostics
Classification: Likely pathogenic. Last evaluated: 2023-12-22. Review status: criteria provided, single submitter. Criteria: Athena Diagnostics Criteria. Collection method: clinical testing. Allele origin: unknown.
Comment: This variant is expected to result in the loss of a functional protein. This variant has not been reported in large, multi-ethnic general populations.